The following is an entry in ClinVar:

NM_007050.6(PTPRT):c.1161A>G (p.Val387=)

Gene: PTPRT (protein tyrosine phosphatase receptor type T; minus strand). Cytogenetic location: 20q12.
Variant type: single nucleotide variant.
Coding change: c.1161A>G on transcript NM_007050.6 (MANE Select); coding-DNA position 1161, A replaced by G.
Protein change: p.Val387=; no amino-acid change (valine 387 retained).
Molecular consequence: synonymous variant.
Genome position (GRCh38, 1-based): chr20:42,472,555, T>C on the plus strand (A>G on the coding strand, the complement: PTPRT is on the minus strand). VCF-style: chr20-42472555-T-C. GRCh37 (hg19) VCF-style: chr20-41101195-T-C.
Other names: c.1161A>G, p.Val387= (NM_133170.4).
Identifiers: ClinVar variation 782063 (VCV000782063.6), dbSNP rs41279260, ClinGen allele CA9864638.
Genomic context (GRCh38, chr20:42,472,555, plus strand): 5'-CCACTGCAGGGTCAGCTGCCGGGCTCTGATGTCTACGATTTCCACGTTCTGTGGGCCATG[T>C]ACCGGATCTGCAAAACATGCAGGCAAGAAACAAGGGTTCTGAAGAGACCATCGGGAAGCT-3'
Protein context (NP_008981.4, residues 377-397): LTTRTKCADP[Val387=]HGPQNVEIVD

ClinVar aggregate classification (germline): Benign. Review status: criteria provided, multiple submitters, no conflicts (2 of 4 stars). 3 submissions from 3 submitters: Benign (2). 1 of the submissions does not count toward it. Last evaluated 2017-08-29.

Conditions:
PTPRT-related disorder. Also called: PTPRT-related condition.

Allele frequency attached by ClinVar (database versions not stated): 1000 Genomes Project 0.00459; gnomAD 0.00796 and 0.00799; ESP Exome Variant Server 0.00849; TOPMed 0.00812; gnomAD exomes 0.00857 and 0.00945; ExAC 0.00867; 1000 Genomes Project 30x 0.00437.
gnomAD v4.1: 15,054 of 1,613,258 alleles (0.93%); highest among the groups gnomAD compares: Middle Eastern, 1.8%; 107 homozygotes.

Submissions (3):

Labcorp Genetics (formerly Invitae), Labcorp
Classification: Benign. Last evaluated: 2017-08-29. Review status: criteria provided, single submitter. Criteria: Invitae Variant Classification Sherloc (09022015). Collection method: clinical testing. Allele origin: germline.

Breakthrough Genomics
Classification: Benign. Review status: criteria provided, single submitter. Criteria: ACMG Guidelines, 2015. Collection method: not provided. Allele origin: germline. Inheritance: Unknown mechanism. Affected: yes.

PreventionGenetics, part of Exact Sciences
Classification: Benign for PTPRT-related condition. Last evaluated: 2019-02-21. Review status: no assertion criteria provided. Collection method: clinical testing. Allele origin: germline. Not counted in ClinVar's aggregate classification.
Comment: This variant is classified as benign based on ACMG/AMP sequence variant interpretation guidelines (Richards et al. 2015 PMID: 25741868, with internal and published modifications).